The following is an entry in ClinVar:

NM_018062.4(FANCL):c.974A>T (p.Asp325Val)

Gene: FANCL (FA complementation group L; minus strand). Cytogenetic location: 2p16.1.
Variant type: single nucleotide variant.
Coding change: c.974A>T on transcript NM_018062.4 (MANE Select); coding-DNA position 974, A replaced by T.
Protein change: p.Asp325Val; replaces aspartic acid 325 with valine.
Molecular consequence: missense variant.
Genome position (GRCh38, 1-based): chr2:58,161,568, T>A on the plus strand (A>T on the coding strand, the complement: FANCL is on the minus strand). VCF-style: chr2-58161568-T-A. GRCh37 (hg19) VCF-style: chr2-58388703-T-A.
Other names: c.989A>T, p.Asp330Val (NM_001114636.2); c.1019A>T, p.Asp340Val (NM_001374615.1); c.1034A>T, p.Asp345Val (NM_001410792.1); short protein forms D340V, D345V, D325V, D330V.
Identifiers: ClinVar variation 2890579 (VCV002890579.3), dbSNP rs1685175722, ClinGen allele CA346932879.

ClinVar aggregate classification (germline): Uncertain significance (1 of 4 stars; one submission).

Conditions:
Fanconi anemia (FA). Also called: Fanconi's anemia. Identifiers: Orphanet 84, MedGen C0015625, MeSH D005199, MONDO:0019391.

Submission:

Labcorp Genetics (formerly Invitae), Labcorp
Classification: Uncertain significance for Fanconi anemia. Last evaluated: 2022-11-10. Review status: criteria provided, single submitter. Criteria: Invitae Variant Classification Sherloc (09022015). Collection method: clinical testing. Allele origin: germline.
Comment: In summary, the available evidence is currently insufficient to determine the role of this variant in disease. Therefore, it has been classified as a Variant of Uncertain Significance. Advanced modeling of protein sequence and biophysical properties (such as structural, functional, and spatial information, amino acid conservation, physicochemical variation, residue mobility, and thermodynamic stability) performed at Invitae indicates that this missense variant is expected to disrupt FANCL protein function. This variant has not been reported in the literature in individuals affected with FANCL-related conditions. This variant is not present in population databases (gnomAD no frequency). This sequence change replaces aspartic acid, which is acidic and polar, with valine, which is neutral and non-polar, at codon 325 of the FANCL protein (p.Asp325Val).